The following is an entry in ClinVar:

NM_139076.3(ABRAXAS1):c.28C>T (p.Leu10Phe)

Genes: ABRAXAS1 (abraxas 1, BRCA1 A complex subunit; minus strand), LOC129992784 (ATAC-STARR-seq lymphoblastoid silent region 15542; plus strand). Cytogenetic location: 4q21.23.
Variant type: single nucleotide variant.
Coding change: c.28C>T on transcript NM_139076.3 (MANE Select); coding-DNA position 28, C replaced by T.
Protein change: p.Leu10Phe; replaces leucine 10 with phenylalanine.
Molecular consequence: missense variant. On other transcripts: 5 prime UTR variant (1).
Genome position (GRCh38, 1-based): chr4:83,485,045, G>A on the plus strand (C>T on the coding strand, the complement: ABRAXAS1 is on the minus strand). VCF-style: chr4-83485045-G-A. GRCh37 (hg19) VCF-style: chr4-84406198-G-A.
Other names: c.-233C>T (NM_001345962.2); short protein forms L10F.
Identifiers: ClinVar variation 3994584 (VCV003994584.1).

ClinVar aggregate classification (germline): Uncertain significance (1 of 4 stars; one submission).

gnomAD v4.1: 2 of 1,595,506 alleles (0.00013%); highest among the groups gnomAD compares: Admixed American, 0.0017%; no homozygotes.

Submission:

Ambry Genetics
Classification: Uncertain significance. Last evaluated: 2025-04-19. Review status: criteria provided, single submitter. Criteria: Ambry Variant Classification Scheme 2023. Collection method: clinical testing. Allele origin: germline.
Comment: The p.L10F variant (also known as c.28C>T), located in coding exon 1 of the FAM175A gene, results from a C to T substitution at nucleotide position 28. The leucine at codon 10 is replaced by phenylalanine, an amino acid with highly similar properties. This amino acid position is conserved. In addition, this alteration is predicted to be tolerated by in silico analysis. Based on the available evidence, the clinical significance of this variant remains unclear.